The following is an entry in ClinVar:

NM_000111.3(SLC26A3):c.953T>C (p.Val318Ala)

Gene: SLC26A3 (solute carrier family 26 member 3; minus strand). Cytogenetic location: 7q22.3.
Variant type: single nucleotide variant.
Coding change: c.953T>C on transcript NM_000111.3 (MANE Select); coding-DNA position 953, T replaced by C.
Protein change: p.Val318Ala; replaces valine 318 with alanine.
Molecular consequence: missense variant.
Genome position (GRCh38, 1-based): chr7:107,786,845, A>G on the plus strand (T>C on the coding strand, the complement: SLC26A3 is on the minus strand). VCF-style: chr7-107786845-A-G. GRCh37 (hg19) VCF-style: chr7-107427290-A-G.
Other names: short protein forms V318A.
Identifiers: ClinVar variation 1940190 (VCV001940190.5), dbSNP rs770812206, ClinGen allele CA368852427.

ClinVar aggregate classification (germline): Uncertain significance (1 of 4 stars; one submission).

Allele frequency attached by ClinVar (database versions not stated): gnomAD exomes below 0.00001; TOPMed below 0.00001.
gnomAD v4.1: 1 of 1,613,238 alleles (0.000062%); highest among the groups gnomAD compares: Non-Finnish European, 0.000085%; no homozygotes.

Submission:

Labcorp Genetics (formerly Invitae), Labcorp
Classification: Uncertain significance. Last evaluated: 2022-04-17. Review status: criteria provided, single submitter. Criteria: Invitae Variant Classification Sherloc (09022015). Collection method: clinical testing. Allele origin: germline.
Comment: This sequence change replaces valine, which is neutral and non-polar, with alanine, which is neutral and non-polar, at codon 318 of the SLC26A3 protein (p.Val318Ala). This variant is not present in population databases (gnomAD no frequency). This variant has not been reported in the literature in individuals affected with SLC26A3-related conditions. Algorithms developed to predict the effect of missense changes on protein structure and function are either unavailable or do not agree on the potential impact of this missense change (SIFT: "Deleterious"; PolyPhen-2: "Possibly Damaging"; Align-GVGD: "Class C0"). This variant disrupts the p.Val318 amino acid residue in SLC26A3. Other variant(s) that disrupt this residue have been determined to be pathogenic (PMID: 8896562, 9886994, 21394828). This suggests that this residue is clinically significant, and that variants that disrupt this residue are likely to be disease-causing. In summary, the available evidence is currently insufficient to determine the role of this variant in disease. Therefore, it has been classified as a Variant of Uncertain Significance.

Literature cited by the submitters: PubMed 8896562; PubMed 9886994; PubMed 21394828.